The following is an entry in ClinVar:

NM_020937.4(FANCM):c.5555G>T (p.Gly1852Val)

Gene: FANCM (FA complementation group M; plus strand). Cytogenetic location: 14q21.2.
Variant type: single nucleotide variant.
Coding change: c.5555G>T on transcript NM_020937.4 (MANE Select); coding-DNA position 5555, G replaced by T.
Protein change: p.Gly1852Val; replaces glycine 1852 with valine.
Molecular consequence: missense variant.
Genome position (GRCh38, 1-based): chr14:45,196,386, G>T. VCF-style: chr14-45196386-G-T. GRCh37 (hg19) VCF-style: chr14-45665589-G-T.
Other names: c.5477G>T, p.Gly1826Val (NM_001308133.2); short protein forms G1826V, G1852V.
Identifiers: ClinVar variation 3848531 (VCV003848531.1).

ClinVar aggregate classification (germline): Uncertain significance (1 of 4 stars; one submission).

Conditions:
Inborn genetic diseases. Identifiers: MedGen C0950123, MeSH D030342.

gnomAD v4.1: 3 of 1,614,074 alleles (0.00019%); highest among the groups gnomAD compares: African/African-American, 0.0027%; no homozygotes.

Submission:

Ambry Genetics
Classification: Uncertain significance for Inborn genetic diseases. Last evaluated: 2024-12-22. Review status: criteria provided, single submitter. Criteria: Ambry Variant Classification Scheme 2023. Collection method: clinical testing. Allele origin: germline.
Comment: The p.G1852V variant (also known as c.5555G>T), located in coding exon 21 of the FANCM gene, results from a G to T substitution at nucleotide position 5555. The glycine at codon 1852 is replaced by valine, an amino acid with dissimilar properties. This amino acid position is conserved. In addition, this alteration is predicted to be tolerated by in silico analysis. Based on the available evidence, the clinical significance of this variant remains unclear.